The following is an entry in ClinVar:

NM_001447.3(FAT2):c.4811A>C (p.Asn1604Thr)

Genes: FAT2 (FAT atypical cadherin 2; minus strand), SLC36A1 (solute carrier family 36 member 1; plus strand). Cytogenetic location: 5q33.1.
Variant type: single nucleotide variant.
Coding change: c.4811A>C on transcript NM_001447.3 (MANE Select); coding-DNA position 4811, A replaced by C.
Protein change: p.Asn1604Thr; replaces asparagine 1604 with threonine.
Molecular consequence: missense variant.
Genome position (GRCh38, 1-based): chr5:151,546,316, T>G on the plus strand (A>C on the coding strand, the complement: FAT2 is on the minus strand). VCF-style: chr5-151546316-T-G. GRCh37 (hg19) VCF-style: chr5-150925877-T-G.
Other names: short protein forms N1604T.
Identifiers: ClinVar variation 3898321 (VCV003898321.7).
Genomic context (GRCh38, chr5:151,546,316, plus strand): 5'-GCATGATTTGCCTGATCAAGCTTTTGAGCTAGAGTAATGATGCCTAGCAGGGCATTGATG[T>G]TGAAGAAACCTTCGCTGTTCCCTGAAACAGAAGACAAGACAAACAAGTTTGCCACACCCT-3'
Protein context (NP_001438.1, residues 1594-1614): LLKGNSEGFF[Asn1604Thr]INALLGIITL

ClinVar aggregate classification (germline): Uncertain significance (1 of 4 stars; one submission).

gnomAD v4.1: 149 of 1,612,994 alleles (0.0092%); highest among the groups gnomAD compares: Non-Finnish European, 0.011%; no homozygotes.

Submission:

CeGaT Center for Human Genetics Tuebingen
Classification: Uncertain significance. Last evaluated: 2025-04-01. Review status: criteria provided, single submitter. Criteria: CeGaT Center For Human Genetics Tuebingen Variant Classification Criteria Version 2. Collection method: clinical testing. Allele origin: germline. Affected: yes. Observed: 1 variant allele.
Comment: FAT2: PP2, BP4